The following is an entry in ClinVar:

ClinVar aggregate classification (germline): Uncertain significance (1 of 4 stars; one submission).

Conditions:
PAX3-related disorder. Also called: PAX3-related condition.

Submission:

PreventionGenetics, part of Exact Sciences
Classification: Uncertain significance for PAX3-related condition. Last evaluated: 2026-09-25. Review status: criteria provided, single submitter. Criteria: ACMG Guidelines, 2015. Collection method: clinical testing. Allele origin: germline.
Comment: The PAX3 c.191A>C variant is predicted to result in the amino acid substitution p.His64Pro. To our knowledge, this variant has not been reported in the literature or in a large population database (gnomAD), indicating this variant is rare. An alternative variant at this amino acid position (p.His64Gln) has been reported in a patient with Waardenburg syndrome (Lee et al. 2022. PubMed ID: 36331148). At this time, the clinical significance of this variant is uncertain due to the absence of conclusive functional and genetic evidence.

NM_181458.4(PAX3):c.191A>C (p.His64Pro)

Gene: PAX3 (paired box 3; minus strand). Cytogenetic location: 2q36.1.
Variant type: single nucleotide variant.
Coding change: c.191A>C on transcript NM_181458.4 (MANE Select); coding-DNA position 191, A replaced by C.
Protein change: p.His64Pro; replaces histidine 64 with proline.
Molecular consequence: missense variant.
Genome position (GRCh38, 1-based): chr2:222,297,108, T>G on the plus strand (A>C on the coding strand, the complement: PAX3 is on the minus strand). VCF-style: chr2-222297108-T-G. GRCh37 (hg19) VCF-style: chr2-223161827-T-G.
Other names: c.191A>C, p.His64Pro (NM_000438.6, NM_001127366.3, NM_013942.5 and 4 more transcripts); short protein forms H64P.
Identifiers: ClinVar variation 4992781 (VCV004992781.1).